The following is an entry in ClinVar:

NM_018979.4(WNK1):c.4317G>C (p.Glu1439Asp)

Gene: WNK1 (WNK lysine deficient protein kinase 1; plus strand). Cytogenetic location: 12p13.33.
Variant type: single nucleotide variant.
Coding change: c.4317G>C on transcript NM_018979.4 (MANE Select); coding-DNA position 4317, G replaced by C.
Protein change: p.Glu1439Asp; replaces glutamic acid 1439 with aspartic acid.
Molecular consequence: missense variant.
Genome position (GRCh38, 1-based): chr12:885,121, G>C. VCF-style: chr12-885121-G-C. GRCh37 (hg19) VCF-style: chr12-994287-G-C.
Other names: c.5097G>C, p.Glu1699Asp (NM_001184985.2); c.3576G>C, p.Glu1192Asp (NM_014823.3); c.5073G>C, p.Glu1691Asp (NM_213655.5); short protein forms E1439D, E1699D, E1192D, E1691D.
Identifiers: ClinVar variation 1745166 (VCV001745166.7), dbSNP rs1002244239, ClinGen allele CA231479164.

ClinVar aggregate classification (germline): Uncertain significance. Review status: criteria provided, multiple submitters, no conflicts (2 of 4 stars). 2 submissions from 2 submitters: Uncertain significance (2). Last evaluated 2022-05-28.

Conditions:
Neuropathy, hereditary sensory and autonomic, type 2A (HSAN2A). Also called: MORVAN DISEASE; NEUROPATHY, CONGENITAL SENSORY; NEUROPATHY, HEREDITARY SENSORY RADICULAR, AUTOSOMAL RECESSIVE; NEUROPATHY, HEREDITARY SENSORY, TYPE IIA; NEUROPATHY, PROGRESSIVE SENSORY, OF CHILDREN; ACROOSTEOLYSIS, GIACCAI TYPE. Identifiers: Orphanet 970, MedGen C2752089, MONDO:0024309, OMIM 201300.
Pseudohypoaldosteronism type 2C (PHA2C). Also called: Pseudohypoaldosteronism Type IIC. Identifiers: Orphanet 757, Orphanet 88940, MedGen C1840391, MONDO:0013778, OMIM 614492.
Inborn genetic diseases. Identifiers: MedGen C0950123, MeSH D030342.

gnomAD v4.1: 1 of 1,614,164 alleles (0.000062%); no homozygotes.

Submissions (2):

Labcorp Genetics (formerly Invitae), Labcorp
Classification: Uncertain significance for Neuropathy, hereditary sensory and autonomic, type 2A; Pseudohypoaldosteronism type 2C. Last evaluated: 2022-05-28. Review status: criteria provided, single submitter. Criteria: Invitae Variant Classification Sherloc (09022015). Collection method: clinical testing. Allele origin: germline.
Comment: In summary, the available evidence is currently insufficient to determine the role of this variant in disease. Therefore, it has been classified as a Variant of Uncertain Significance. Advanced modeling of protein sequence and biophysical properties (such as structural, functional, and spatial information, amino acid conservation, physicochemical variation, residue mobility, and thermodynamic stability) performed at Invitae indicates that this missense variant is not expected to disrupt WNK1 protein function. This variant has not been reported in the literature in individuals affected with WNK1-related conditions. This variant is not present in population databases (gnomAD no frequency). This sequence change replaces glutamic acid, which is acidic and polar, with aspartic acid, which is acidic and polar, at codon 1691 of the WNK1 protein (p.Glu1691Asp).

Ambry Genetics
Classification: Uncertain significance for Inborn genetic diseases. Last evaluated: 2021-07-16. Review status: criteria provided, single submitter. Criteria: Ambry Variant Classification Scheme 2023. Collection method: clinical testing. Allele origin: germline.
Comment: The p.E1691D variant (also known as c.5073G>C), located in coding exon 19 of the WNK1 gene, results from a G to C substitution at nucleotide position 5073. The glutamic acid at codon 1691 is replaced by aspartic acid, an amino acid with highly similar properties. This amino acid position is poorly conserved in available vertebrate species. In addition, this alteration is predicted to be tolerated by in silico analysis. Since supporting evidence is limited at this time, the clinical significance of this alteration remains unclear.